The following is an entry in ClinVar:

NC_012920.1(MT-TT):m.15893T>C

Gene: MT-TT (mitochondrially encoded tRNA threonine; plus strand).
Variant type: single nucleotide variant.
Genome position: chrM-15893-T-C.
Identifiers: ClinVar variation 690217 (VCV000690217.1), dbSNP rs1603225570, ClinGen allele CA913175135.

ClinVar aggregate classification (germline): Likely benign (1 of 4 stars; one submission).

Conditions:
MELAS syndrome (MELAS). Also called: Juvenile myopathy, encephalopathy, lactic acidosis, stroke. Identifiers: Orphanet 550, MedGen C0162671, MONDO:0010789, OMIM 540000.

Submission:

Wong Mito Lab, Molecular and Human Genetics, Baylor College of Medicine
Classification: Likely benign for MELAS syndrome. Last evaluated: 2019-07-12. Review status: criteria provided, single submitter. Criteria: Modified ACMG Guidelines (Unpublished). Collection method: clinical testing. Allele origin: germline.
Comment: The NC_012920.1:m.15893T>C variant in MT-TT gene is interpreted to be a Likely Benign variant based on the modified ACMG guidelines (unpublished). This variant meets the following evidence codes reported in the guidelines: BS1, BP4

Literature cited by the submitters: PubMed 31965079.